The following is an entry in ClinVar:

NM_004304.5(ALK):c.151_152del (p.Arg51fs)

Gene: ALK (ALK receptor tyrosine kinase; minus strand). Cytogenetic location: 2p23.1.
Variant type: Microsatellite.
Coding change: c.151_152del on transcript NM_004304.5 (MANE Select); coding-DNA positions 151 to 152, 2 bases deleted (AG; older notation c.151_152delAG).
Protein change: p.Arg51fs; shifts the reading frame from arginine 51.
Molecular consequence: frameshift variant.
Genome position (GRCh38, 1-based): chr2:29,920,508-29,920,509, CT deleted on the plus strand (AG on the coding strand, the reverse complement: ALK is on the minus strand); deleting any 2 consecutive bases within chr2:29,920,508-29,920,511 gives the same sequence; the c. name uses the placement nearest the transcript's 3' end. VCF-style (leftmost placement, unchanged base first): chr2-29920507-CCT-C. GRCh37 (hg19) VCF-style: chr2-30143373-CCT-C.
Other names: short protein forms R51fs.
Identifiers: ClinVar variation 4722712 (VCV004722712.1).
Genomic context (GRCh38, chr2:29,920,507, plus strand): 5'-TAGGTCCCGGGCGTAGACACGGAAGAGCGAGGGCACCACGAAGTCAACTGCCAGACTCTT[CCT>C]CTGCAGGCGCGAGTAGCTGAGTGGCTCCCGGGGCTGCAGCGGCGGCCCCGCAGCTGGGGA-3'

ClinVar aggregate classification (germline): Uncertain significance (1 of 4 stars; one submission).

Conditions:
Neuroblastoma, susceptibility to, 3. Also called: ALK-Related Neuroblastic Tumor Susceptibility. Identifiers: Orphanet 635, MedGen C2751681, MONDO:0013083, OMIM 613014.

Submission:

Labcorp Genetics (formerly Invitae), Labcorp
Classification: Uncertain significance for Neuroblastoma, susceptibility to, 3. Last evaluated: 2025-07-06. Review status: criteria provided, single submitter. Criteria: Invitae Variant Classification Sherloc (09022015). Collection method: clinical testing. Allele origin: germline.
Comment: This sequence change creates a premature translational stop signal (p.Arg51Glufs*6) in the ALK gene. It is expected to result in an absent or disrupted protein product. However, the current clinical and genetic evidence is not sufficient to establish whether loss-of-function variants in ALK cause disease. This variant is not present in population databases (gnomAD no frequency). This variant has not been reported in the literature in individuals affected with ALK-related conditions. In summary, the available evidence is currently insufficient to determine the role of this variant in disease. Therefore, it has been classified as a Variant of Uncertain Significance.